The following is an entry in ClinVar:

ClinVar aggregate classification (germline): Uncertain significance. Review status: criteria provided, multiple submitters, no conflicts (2 of 4 stars). 2 submissions from 2 submitters: Uncertain significance (2). Last evaluated 2024-11-05.

Conditions:
Inborn genetic diseases. Identifiers: MedGen C0950123, MeSH D030342.

gnomAD v4.1: 7 of 1,614,036 alleles (0.00043%); highest among the groups gnomAD compares: Admixed American, 0.0033%; no homozygotes.

Submissions (2):

Labcorp Genetics (formerly Invitae), Labcorp
Classification: Uncertain significance. Last evaluated: 2024-11-05. Review status: criteria provided, single submitter. Criteria: Invitae Variant Classification Sherloc (09022015). Collection method: clinical testing. Allele origin: germline.
Comment: This sequence change replaces arginine, which is basic and polar, with leucine, which is neutral and non-polar, at codon 377 of the CAD protein (p.Arg377Leu). This variant is present in population databases (no rsID available, gnomAD 0.0009%). This variant has not been reported in the literature in individuals affected with CAD-related conditions. ClinVar contains an entry for this variant (Variation ID: 1476602). An algorithm developed to predict the effect of missense changes on protein structure and function (PolyPhen-2) suggests that this variant is likely to be tolerated. In summary, the available evidence is currently insufficient to determine the role of this variant in disease. Therefore, it has been classified as a Variant of Uncertain Significance.

Ambry Genetics
Classification: Uncertain significance for Inborn genetic diseases. Last evaluated: 2023-11-17. Review status: criteria provided, single submitter. Criteria: Ambry Variant Classification Scheme 2023. Collection method: clinical testing. Allele origin: germline.

NM_004341.5(CAD):c.1130G>T (p.Arg377Leu)

Gene: CAD (carbamoyl-phosphate synthetase 2, aspartate transcarbamylase, and dihydroorotase; plus strand). Cytogenetic location: 2p23.3.
Variant type: single nucleotide variant.
Coding change: c.1130G>T on transcript NM_004341.5 (MANE Select); coding-DNA position 1130, G replaced by T.
Protein change: p.Arg377Leu; replaces arginine 377 with leucine.
Molecular consequence: missense variant.
Genome position (GRCh38, 1-based): chr2:27,224,366, G>T. VCF-style: chr2-27224366-G-T. GRCh37 (hg19) VCF-style: chr2-27447234-G-T.
Other names: c.1130G>T, p.Arg377Leu (NM_001306079.2); c.1130G>T (NM_004341.3); short protein forms R377L.
Identifiers: ClinVar variation 1476602 (VCV001476602.6), dbSNP rs761642796, ClinGen allele CA346203337.